The following is an entry in ClinVar:

NM_014625.4(NPHS2):c.929A>G (p.Glu310Gly)

Genes: AXDND1 (axonemal dynein light chain domain containing 1; plus strand), NPHS2 (NPHS2 stomatin family member, podocin; minus strand). Cytogenetic location: 1q25.2.
Variant type: single nucleotide variant.
Coding change: c.929A>G on transcript NM_014625.4 (MANE Select); coding-DNA position 929, A replaced by G.
Protein change: p.Glu310Gly; replaces glutamic acid 310 with glycine.
Molecular consequence: missense variant. On other transcripts: intron variant (1).
Genome position (GRCh38, 1-based): chr1:179,551,396, T>C on the plus strand (A>G on the coding strand, the complement: NPHS2 is on the minus strand). VCF-style: chr1-179551396-T-C. GRCh37 (hg19) VCF-style: chr1-179520531-T-C.
Other names: c.725A>G, p.Glu242Gly (NM_001297575.2); c.3032-3116T>C (NM_144696.6); short protein forms E242G, E310G.
Identifiers: ClinVar variation 1346981 (VCV001346981.6), dbSNP rs1572255744, ClinGen allele CA343565771.

ClinVar aggregate classification (germline): Likely pathogenic (1 of 4 stars; one submission).

Submission:

Labcorp Genetics (formerly Invitae), Labcorp
Classification: Likely pathogenic. Last evaluated: 2021-11-23. Review status: criteria provided, single submitter. Criteria: Invitae Variant Classification Sherloc (09022015). Collection method: clinical testing. Allele origin: germline.
Comment: This variant is not present in population databases (gnomAD no frequency). This sequence change replaces glutamic acid, which is acidic and polar, with glycine, which is neutral and non-polar, at codon 310 of the NPHS2 protein (p.Glu310Gly). This variant has not been reported in the literature in individuals affected with NPHS2-related conditions. Advanced modeling of protein sequence and biophysical properties (such as structural, functional, and spatial information, amino acid conservation, physicochemical variation, residue mobility, and thermodynamic stability) performed at Invitae indicates that this missense variant is expected to disrupt NPHS2 protein function. This variant disrupts the p.Glu310 amino acid residue in NPHS2. Other variant(s) that disrupt this residue have been determined to be pathogenic (PMID: 19145239, 20507940, 24509478, 28658201). This suggests that this residue is clinically significant, and that variants that disrupt this residue are likely to be disease-causing. In summary, the currently available evidence indicates that the variant is pathogenic, but additional data are needed to prove that conclusively. Therefore, this variant has been classified as Likely Pathogenic.

Literature cited by the submitters: PubMed 19145239; PubMed 20507940; PubMed 24509478; PubMed 28658201.